The following is an entry in ClinVar:

ClinVar aggregate classification (germline): Uncertain significance (1 of 4 stars; one submission).

Conditions:
Hereditary hemorrhagic telangiectasia (HHT). Also called: ORW DISEASE; Osler Weber Rendu syndrome; OSLER-RENDU-WEBER DISEASE; Osler hemorrhagic telangiectasia syndrome. Identifiers: Orphanet 774, MedGen C0039445, MONDO:0019180. Disease mechanism: loss of function.

Submission:

Labcorp Genetics (formerly Invitae), Labcorp
Classification: Uncertain significance for Hereditary hemorrhagic telangiectasia. Last evaluated: 2025-12-21. Review status: criteria provided, single submitter. Criteria: Invitae Variant Classification Sherloc (09022015). Collection method: clinical testing. Allele origin: germline.
Comment: This sequence change replaces alanine, which is neutral and non-polar, with proline, which is neutral and non-polar, at codon 552 of the ENG protein (p.Ala552Pro). This variant is not present in population databases (gnomAD no frequency). This variant has not been reported in the literature in individuals affected with ENG-related conditions. Invitae Evidence Modeling of protein sequence and biophysical properties (such as structural, functional, and spatial information, amino acid conservation, physicochemical variation, residue mobility, and thermodynamic stability) has been performed for this missense variant. However, the output from this modeling did not meet the statistical confidence thresholds required to predict the impact of this variant on ENG protein function. In summary, the available evidence is currently insufficient to determine the role of this variant in disease. Therefore, it has been classified as a Variant of Uncertain Significance.

NM_001114753.3(ENG):c.1654G>C (p.Ala552Pro)

Genes: ENG (endoglin; minus strand), LOC102723566 (uncharacterized LOC102723566; plus strand). Cytogenetic location: 9q34.11.
Variant type: single nucleotide variant.
Coding change: c.1654G>C on transcript NM_001114753.3 (MANE Select); coding-DNA position 1654, G replaced by C.
Protein change: p.Ala552Pro; replaces alanine 552 with proline.
Molecular consequence: missense variant.
Genome position (GRCh38, 1-based): chr9:127,818,152, C>G on the plus strand (G>C on the coding strand, the complement: ENG is on the minus strand). VCF-style: chr9-127818152-C-G. GRCh37 (hg19) VCF-style: chr9-130580431-C-G.
Other names: c.1654G>C, p.Ala552Pro (NM_000118.4); c.1108G>C, p.Ala370Pro (NM_001278138.2); short protein forms A370P, A552P.
Identifiers: ClinVar variation 4747284 (VCV004747284.1).